The following is an entry in ClinVar:

ClinVar aggregate classification (germline): Uncertain significance (1 of 4 stars; one submission).

Submission:

Labcorp Genetics (formerly Invitae), Labcorp
Classification: Uncertain significance. Last evaluated: 2025-10-27. Review status: criteria provided, single submitter. Criteria: Invitae Variant Classification Sherloc (09022015). Collection method: clinical testing. Allele origin: germline.
Comment: This sequence change falls in intron 10 of the RNF31 gene. It does not directly change the encoded amino acid sequence of the RNF31 protein. This variant is present in population databases (rs757543446, gnomAD 0.003%). This variant has not been reported in the literature in individuals affected with RNF31-related conditions. Algorithms developed to predict the effect of sequence changes on RNA splicing suggest that this variant may disrupt the consensus splice site. In summary, the available evidence is currently insufficient to determine the role of this variant in disease. Therefore, it has been classified as a Variant of Uncertain Significance.

NM_017999.5(RNF31):c.1924-6T>C

Gene: RNF31 (ring finger protein 31; plus strand). Cytogenetic location: 14q12.
Variant type: single nucleotide variant.
Coding change: c.1924-6T>C on transcript NM_017999.5 (MANE Select); 6 bases into the intron before coding-DNA position 1924, T replaced by C.
Molecular consequence: intron variant.
Genome position (GRCh38, 1-based): chr14:24,151,780, T>C. VCF-style: chr14-24151780-T-C. GRCh37 (hg19) VCF-style: chr14-24620989-T-C.
Other names: c.1471-6T>C (NM_001310332.2).
Identifiers: ClinVar variation 4765644 (VCV004765644.1).